The following is an entry in ClinVar:

NM_001692.4(ATP6V1B1):c.1473G>T (p.Gln491His)

Gene: ATP6V1B1 (ATPase H+ transporting V1 subunit B1; plus strand). Cytogenetic location: 2p13.3.
Variant type: single nucleotide variant.
Coding change: c.1473G>T on transcript NM_001692.4 (MANE Select); coding-DNA position 1473, G replaced by T.
Protein change: p.Gln491His; replaces glutamine 491 with histidine.
Molecular consequence: missense variant.
Genome position (GRCh38, 1-based): chr2:70,965,052, G>T. VCF-style: chr2-70965052-G-T. GRCh37 (hg19) VCF-style: chr2-71192182-G-T.
Other names: short protein forms Q491H.
Identifiers: ClinVar variation 386819 (VCV000386819.2), dbSNP rs1057522612, ClinGen allele CA16604376.
Genomic context (GRCh38, chr2:70,965,052, plus strand): 5'-GGACCTGGGCTGGAAGCTGCTGCGCATCTTCCCCAAGGAGATGCTGAAGCGCATTCCGCA[G>T]GCCGTGATCGACGAGTTCTATTCCCGCGAGGGGGCGCTGCAGGACCTCGCGCCTGACACT-3'
Protein context (NP_001683.2, residues 481-501): FPKEMLKRIP[Gln491His]AVIDEFYSRE

ClinVar aggregate classification (germline): Uncertain significance (1 of 4 stars; one submission).

Submission:

GeneDx
Classification: Uncertain significance. Last evaluated: 2016-06-06. Review status: criteria provided, single submitter. Criteria: GeneDx Variant Classification (06012015). Collection method: clinical testing. Allele origin: germline. Affected: yes.
Comment: The Q491H variant in the ATP6V1B1 gene has not been reported previously as a pathogenic variant, nor as a benign variant, to our knowledge. The Q491H variant was not observed in approximately 6,500 individuals of European and African American ancestry in the NHLBI Exome Sequencing Project, indicating it is not a common benign variant in these populations. The Q491H variant is a semi-conservative amino acid substitution, which may impact secondary protein structure as these residues differ in some properties. This substitution occurs at a position that is conserved in mammals. In silico analysis is inconsistent in its predictions as to whether or not the variant is damaging to the protein structure/function. We interpret Q491H as a variant of uncertain significance.